The following is an entry in ClinVar:

ClinVar aggregate classification (germline): Uncertain significance (1 of 4 stars; one submission).

Conditions:
Hypertrophic cardiomyopathy 11. Also called: ACTC1-Related Familial Hypertrophic Cardiomyopathy. Identifiers: MedGen C2677506, MONDO:0012799, OMIM 612098.
Dilated cardiomyopathy 1R (CMD1R). Identifiers: Orphanet 154, Orphanet 54260, MedGen C3150681, MONDO:0013261, OMIM 613424.
Atrial septal defect 5 (ASD5). Identifiers: Orphanet 1478, MedGen C2748552, MONDO:0013011, OMIM 612794.

Allele frequency attached by ClinVar (database versions not stated): TOPMed below 0.00001.

Submission:

Labcorp Genetics (formerly Invitae), Labcorp
Classification: Uncertain significance for Dilated cardiomyopathy 1R; Hypertrophic cardiomyopathy 11; Atrial septal defect 5. Last evaluated: 2023-01-18. Review status: criteria provided, single submitter. Criteria: Invitae Variant Classification Sherloc (09022015). Collection method: clinical testing. Allele origin: germline.
Comment: In summary, the available evidence is currently insufficient to determine the role of this variant in disease. Therefore, it has been classified as a Variant of Uncertain Significance. Advanced modeling of protein sequence and biophysical properties (such as structural, functional, and spatial information, amino acid conservation, physicochemical variation, residue mobility, and thermodynamic stability) performed at Invitae indicates that this missense variant is not expected to disrupt ACTC1 protein function. This variant has not been reported in the literature in individuals affected with ACTC1-related conditions. This variant is not present in population databases (gnomAD no frequency). This sequence change replaces threonine, which is neutral and polar, with isoleucine, which is neutral and non-polar, at codon 105 of the ACTC1 protein (p.Thr105Ile).

NM_005159.5(ACTC1):c.314C>T (p.Thr105Ile)

Genes: ACTC1 (actin alpha cardiac muscle 1; minus strand), GJD2-DT (GJD2 divergent transcript; plus strand). Cytogenetic location: 15q14.
Variant type: single nucleotide variant.
Coding change: c.314C>T on transcript NM_005159.5 (MANE Select); coding-DNA position 314, C replaced by T.
Protein change: p.Thr105Ile; replaces threonine 105 with isoleucine.
Molecular consequence: missense variant. On other transcripts: 5 prime UTR variant (1).
Genome position (GRCh38, 1-based): chr15:34,793,385, G>A on the plus strand (C>T on the coding strand, the complement: ACTC1 is on the minus strand). VCF-style: chr15-34793385-G-A. GRCh37 (hg19) VCF-style: chr15-35085586-G-A.
Other names: c.314C>T, p.Thr105Ile (NM_001406482.1, NM_001406483.1); c.179C>T, p.Thr60Ile (NM_001406484.1); c.-75C>T (NM_001406485.1); short protein forms T60I, T105I.
Identifiers: ClinVar variation 2936878 (VCV002936878.3), dbSNP rs1368192263, ClinGen allele CA391631510.